The following is an entry in ClinVar:

NM_000536.4(RAG2):c.464T>A (p.Leu155His)

Gene: RAG2 (recombination activating 2; minus strand). Cytogenetic location: 11p12.
Variant type: single nucleotide variant.
Coding change: c.464T>A on transcript NM_000536.4 (MANE Select); coding-DNA position 464, T replaced by A.
Protein change: p.Leu155His; replaces leucine 155 with histidine.
Molecular consequence: missense variant.
Genome position (GRCh38, 1-based): chr11:36,593,705, A>T on the plus strand (T>A on the coding strand, the complement: RAG2 is on the minus strand). VCF-style: chr11-36593705-A-T. GRCh37 (hg19) VCF-style: chr11-36615255-A-T.
Other names: c.464T>A, p.Leu155His (NM_001243785.2, NM_001243786.2); short protein forms L155H.
Identifiers: ClinVar variation 1042358 (VCV001042358.8), dbSNP rs1064793250, ClinGen allele CA380142948.

ClinVar aggregate classification (germline): Uncertain significance (1 of 4 stars; one submission).

Conditions:
Combined immunodeficiency with skin granulomas. Identifiers: Orphanet 157949, MedGen C2673536, MONDO:0009306, OMIM 233650.
Severe combined immunodeficiency, autosomal recessive, T cell-negative, B cell-negative, NK cell-positive. Also called: SCID, T CELL-NEGATIVE, B CELL-NEGATIVE, NK CELL-POSITIVE; SCID, AR, T-cell negative, B-cell negative, NK cell-positive; Severe combined immunodeficiency due to complete RAG1/2 deficiency. Identifiers: Orphanet 331206, MedGen C1832322, MONDO:0011086, OMIM 601457.

Submission:

Labcorp Genetics (formerly Invitae), Labcorp
Classification: Uncertain significance for Combined immunodeficiency with skin granulomas; Severe combined immunodeficiency, autosomal recessive, T cell-negative, B cell-negative, NK cell-positive. Last evaluated: 2020-07-19. Review status: criteria provided, single submitter. Criteria: Invitae Variant Classification Sherloc (09022015). Collection method: clinical testing. Allele origin: germline.
Comment: This sequence change replaces leucine with histidine at codon 155 of the RAG2 protein (p.Leu155His). The leucine residue is moderately conserved and there is a moderate physicochemical difference between leucine and histidine. This variant is not present in population databases (ExAC no frequency). This variant has not been reported in the literature in individuals with RAG2-related conditions. Advanced modeling of protein sequence and biophysical properties (such as structural, functional, and spatial information, amino acid conservation, physicochemical variation, residue mobility, and thermodynamic stability) performed at Invitae indicates that this missense variant is expected to disrupt RAG2 protein function. In summary, the available evidence is currently insufficient to determine the role of this variant in disease. Therefore, it has been classified as a Variant of Uncertain Significance.